The following is an entry in ClinVar:

ClinVar aggregate classification (germline): Uncertain significance (1 of 4 stars; one submission).

Conditions:
Developmental and epileptic encephalopathy. Identifiers: MedGen C5779964, MONDO:0100620.

Allele frequency attached by ClinVar (database versions not stated): gnomAD 0.00001; gnomAD exomes 0.00002; ExAC 0.00004; 1000 Genomes Project 30x 0.00016; 1000 Genomes Project 0.00020.
gnomAD v4.1: 25 of 1,601,716 alleles (0.0016%); highest among the groups gnomAD compares: Middle Eastern, 0.066%; no homozygotes.

Submission:

Labcorp Genetics (formerly Invitae), Labcorp
Classification: Uncertain significance for Early-infantile DEE. Last evaluated: 2022-07-05. Review status: criteria provided, single submitter. Criteria: Invitae Variant Classification Sherloc (09022015). Collection method: clinical testing. Allele origin: germline.
Comment: This sequence change replaces aspartic acid, which is acidic and polar, with asparagine, which is neutral and polar, at codon 82 of the CACNA2D2 protein (p.Asp82Asn). This variant is present in population databases (rs559004773, gnomAD 0.01%). This variant has not been reported in the literature in individuals affected with CACNA2D2-related conditions. ClinVar contains an entry for this variant (Variation ID: 1052042). Algorithms developed to predict the effect of missense changes on protein structure and function are either unavailable or do not agree on the potential impact of this missense change (SIFT: "Tolerated"; PolyPhen-2: "Possibly Damaging"; Align-GVGD: "Class C0"). In summary, the available evidence is currently insufficient to determine the role of this variant in disease. Therefore, it has been classified as a Variant of Uncertain Significance.

NM_006030.4(CACNA2D2):c.244G>A (p.Asp82Asn)

Gene: CACNA2D2 (calcium voltage-gated channel auxiliary subunit alpha2delta 2; minus strand). Cytogenetic location: 3p21.31.
Variant type: single nucleotide variant.
Coding change: c.244G>A on transcript NM_006030.4 (MANE Select); coding-DNA position 244, G replaced by A.
Protein change: p.Asp82Asn; replaces aspartic acid 82 with asparagine.
Molecular consequence: missense variant.
Genome position (GRCh38, 1-based): chr3:50,476,162, C>T on the plus strand (G>A on the coding strand, the complement: CACNA2D2 is on the minus strand). VCF-style: chr3-50476162-C-T. GRCh37 (hg19) VCF-style: chr3-50513593-C-T.
Other names: c.244G>A, p.Asp82Asn (NM_001005505.3, NM_001174051.3); c.37G>A, p.Asp13Asn (NM_001291101.1); short protein forms D13N, D82N.
Identifiers: ClinVar variation 1052042 (VCV001052042.3), dbSNP rs559004773, ClinGen allele CA2419287.